The following is an entry in ClinVar:

ClinVar aggregate classification (germline): Pathogenic (1 of 4 stars; one submission).

Conditions:
Osteogenesis imperfecta type I (OI1). Also called: Lobstein disease; OI, TYPE I; OSTEOGENESIS IMPERFECTA TARDA; OSTEOGENESIS IMPERFECTA WITH BLUE SCLERAE; Osteogenesis imperfecta type 1; Classic Non-deforming Osteogenesis Imperfecta with Blue Sclerae. Identifiers: Orphanet 216796, Orphanet 666, MedGen C0023931, MONDO:0008146, OMIM 166200. Disease mechanism: loss of function.

Submission:

Labcorp Genetics (formerly Invitae), Labcorp
Classification: Pathogenic for Osteogenesis imperfecta type I. Last evaluated: 2025-04-13. Review status: criteria provided, single submitter. Criteria: Invitae Variant Classification Sherloc (09022015). Collection method: clinical testing. Allele origin: germline.
Comment: This sequence change affects an acceptor splice site in intron 26 of the COL1A1 gene. It is expected to disrupt RNA splicing. Variants that disrupt the donor or acceptor splice site typically lead to a loss of protein function (PMID: 16199547), and loss-of-function variants in COL1A1 are known to be pathogenic (PMID: 7942841, 9295084, 9443882). This variant is not present in population databases (gnomAD no frequency). Disruption of this splice site has been observed in individual(s) with osteogenesis imperfecta (PMID: 33939306). ClinVar contains an entry for this variant (Variation ID: 2099095). Algorithms developed to predict the effect of sequence changes on RNA splicing suggest that this variant may disrupt the consensus splice site. For these reasons, this variant has been classified as Pathogenic.

Literature cited by the submitters: PubMed 16199547; PubMed 7942841; PubMed 9295084; PubMed 9443882; PubMed 33939306.

NM_000088.4(COL1A1):c.1822-1G>A

Gene: COL1A1 (collagen type I alpha 1 chain; minus strand). Cytogenetic location: 17q21.33.
Variant type: single nucleotide variant.
Coding change: c.1822-1G>A on transcript NM_000088.4 (MANE Select); the canonical splice acceptor site of the intron before coding-DNA position 1822, G replaced by A.
Molecular consequence: splice acceptor variant.
Genome position (GRCh38, 1-based): chr17:50,192,851, C>T on the plus strand (G>A on the coding strand, the complement: COL1A1 is on the minus strand). VCF-style: chr17-50192851-C-T. GRCh37 (hg19) VCF-style: chr17-48270212-C-T.
Identifiers: ClinVar variation 2099095 (VCV002099095.4), dbSNP rs2144564751, ClinGen allele CA400214869.